The following is an entry in ClinVar:

ClinVar aggregate classification (germline): Uncertain significance (1 of 4 stars; one submission).

Allele frequency attached by ClinVar (database versions not stated): gnomAD exomes below 0.00001.
gnomAD v4.1: 2 of 1,614,198 alleles (0.00012%); highest among the groups gnomAD compares: Non-Finnish European, 0.00017%; no homozygotes.

Submission:

Labcorp Genetics (formerly Invitae), Labcorp
Classification: Uncertain significance. Last evaluated: 2022-06-15. Review status: criteria provided, single submitter. Criteria: Invitae Variant Classification Sherloc (09022015). Collection method: clinical testing. Allele origin: germline.
Comment: This sequence change replaces histidine, which is basic and polar, with asparagine, which is neutral and polar, at codon 327 of the TRIM8 protein (p.His327Asn). In summary, the available evidence is currently insufficient to determine the role of this variant in disease. Therefore, it has been classified as a Variant of Uncertain Significance. Algorithms developed to predict the effect of missense changes on protein structure and function (SIFT, PolyPhen-2, Align-GVGD) all suggest that this variant is likely to be tolerated. This variant has not been reported in the literature in individuals affected with TRIM8-related conditions. This variant is not present in population databases (gnomAD no frequency).

NM_030912.3(TRIM8):c.979C>A (p.His327Asn)

Gene: TRIM8 (tripartite motif containing 8; plus strand). Cytogenetic location: 10q24.32.
Variant type: single nucleotide variant.
Coding change: c.979C>A on transcript NM_030912.3 (MANE Select); coding-DNA position 979, C replaced by A.
Protein change: p.His327Asn; replaces histidine 327 with asparagine.
Molecular consequence: missense variant. On other transcripts: non-coding transcript variant (1).
Genome position (GRCh38, 1-based): chr10:102,656,316, C>A. VCF-style: chr10-102656316-C-A. GRCh37 (hg19) VCF-style: chr10-104416073-C-A.
Other names: c.883C>A, p.His295Asn (NM_001345950.1); short protein forms H327N, H295N.
Identifiers: ClinVar variation 2132157 (VCV002132157.4), dbSNP rs2492913011, ClinGen allele CA377930680.